The following is an entry in ClinVar:

NM_000535.7(PMS2):c.554T>A (p.Val185Asp)

Gene: PMS2 (PMS1 homolog 2, mismatch repair system component; minus strand). Cytogenetic location: 7p22.1.
Variant type: single nucleotide variant.
Coding change: c.554T>A on transcript NM_000535.7 (MANE Select); coding-DNA position 554, T replaced by A.
Protein change: p.Val185Asp; replaces valine 185 with aspartic acid.
Molecular consequence: missense variant. On other transcripts: non-coding transcript variant (1), intron variant (3).
Genome position (GRCh38, 1-based): chr7:5,999,259, A>T on the plus strand (T>A on the coding strand, the complement: PMS2 is on the minus strand). VCF-style: chr7-5999259-A-T. GRCh37 (hg19) VCF-style: chr7-6038890-A-T.
Other names: c.149T>A, p.Val50Asp (NM_001018040.1, NM_001322003.2, NM_001322004.2 and 22 more transcripts); c.554T>A, p.Val185Asp (NM_001322006.2, NM_001322014.2, NM_001406869.1 and 5 more transcripts); c.236T>A, p.Val79Asp (NM_001322007.2, NM_001322008.2, NM_001406876.1 and 4 more transcripts); c.245T>A, p.Val82Asp (NM_001322015.2, NM_001406875.1, NM_001406877.1 and 6 more transcripts); c.740T>A, p.Val247Asp (NM_001406866.1); c.578T>A, p.Val193Asp (NM_001406868.1); c.133-1836T>A (NM_001322013.2); c.-347-33T>A (NM_001322012.2, NM_001322011.2); short protein forms V185D, V193D, V247D, V50D, V79D, V82D.
Identifiers: ClinVar variation 1716504 (VCV001716504.5), dbSNP rs2128802017, ClinGen allele CA366744102.

ClinVar aggregate classification (germline): Uncertain significance (1 of 4 stars; one submission).

Conditions:
Hereditary nonpolyposis colorectal neoplasms. Identifiers: MedGen C0009405, MeSH D003123.

Allele frequency attached by ClinVar (database versions not stated): gnomAD exomes below 0.00001.
gnomAD v4.1: 1 of 1,613,962 alleles (0.000062%); highest among the groups gnomAD compares: Non-Finnish European, 0.000085%; no homozygotes.

Submission:

Labcorp Genetics (formerly Invitae), Labcorp
Classification: Uncertain significance for Hereditary nonpolyposis colorectal neoplasms. Last evaluated: 2022-07-20. Review status: criteria provided, single submitter. Criteria: Invitae Variant Classification Sherloc (09022015). Collection method: clinical testing. Allele origin: germline.
Comment: In summary, the available evidence is currently insufficient to determine the role of this variant in disease. Therefore, it has been classified as a Variant of Uncertain Significance. Algorithms developed to predict the effect of sequence changes on RNA splicing suggest that this variant may create or strengthen a splice site. Advanced modeling of protein sequence and biophysical properties (such as structural, functional, and spatial information, amino acid conservation, physicochemical variation, residue mobility, and thermodynamic stability) performed at Invitae indicates that this missense variant is not expected to disrupt PMS2 protein function. This variant has not been reported in the literature in individuals affected with PMS2-related conditions. This variant is not present in population databases (gnomAD no frequency). This sequence change replaces valine, which is neutral and non-polar, with aspartic acid, which is acidic and polar, at codon 185 of the PMS2 protein (p.Val185Asp).